The following is an entry in ClinVar:

NM_014806.5(RUSC2):c.4346C>T (p.Pro1449Leu)

Gene: RUSC2 (RUN and SH3 domain containing 2; plus strand). Cytogenetic location: 9p13.3.
Variant type: single nucleotide variant.
Coding change: c.4346C>T on transcript NM_014806.5 (MANE Select); coding-DNA position 4346, C replaced by T.
Protein change: p.Pro1449Leu; replaces proline 1449 with leucine.
Molecular consequence: missense variant. On other transcripts: non-coding transcript variant (1).
Genome position (GRCh38, 1-based): chr9:35,561,094, C>T. VCF-style: chr9-35561094-C-T. GRCh37 (hg19) VCF-style: chr9-35561091-C-T.
Other names: c.4346C>T, p.Pro1449Leu (NM_001135999.2); c.1712C>T, p.Pro571Leu (NM_001330740.2); c.4346C>T (NM_001135999.1); short protein forms P1449L, P571L.
Identifiers: ClinVar variation 810371 (VCV000810371.47), dbSNP rs201990592, ClinGen allele CA5044355.

ClinVar aggregate classification (germline): Uncertain significance. Review status: criteria provided, multiple submitters, no conflicts (2 of 4 stars). 3 submissions from 3 submitters: Uncertain significance (3). Last evaluated 2023-05-08.

Allele frequency attached by ClinVar (database versions not stated): TOPMed 0.00006; gnomAD 0.00008 and 0.00009; ESP Exome Variant Server 0.00015.
gnomAD v4.1: 53 of 1,613,814 alleles (0.0033%); highest among the groups gnomAD compares: African/African-American, 0.004%; 1 homozygote.

Submissions (3):

Ambry Genetics
Classification: Uncertain significance. Last evaluated: 2023-05-08. Review status: criteria provided, single submitter. Criteria: Ambry Variant Classification Scheme 2023. Collection method: clinical testing. Allele origin: germline.

Labcorp Genetics (formerly Invitae), Labcorp
Classification: Uncertain significance. Last evaluated: 2022-06-28. Review status: criteria provided, single submitter. Criteria: Invitae Variant Classification Sherloc (09022015). Collection method: clinical testing. Allele origin: germline.
Comment: This sequence change replaces proline, which is neutral and non-polar, with leucine, which is neutral and non-polar, at codon 1449 of the RUSC2 protein (p.Pro1449Leu). This variant is present in population databases (rs201990592, gnomAD 0.005%). This variant has not been reported in the literature in individuals affected with RUSC2-related conditions. ClinVar contains an entry for this variant (Variation ID: 810371). Algorithms developed to predict the effect of missense changes on protein structure and function are either unavailable or do not agree on the potential impact of this missense change (SIFT: "Deleterious"; PolyPhen-2: "Probably Damaging"; Align-GVGD: "Class C0"). In summary, the available evidence is currently insufficient to determine the role of this variant in disease. Therefore, it has been classified as a Variant of Uncertain Significance.

CeGaT Center for Human Genetics Tuebingen
Classification: Uncertain significance. Last evaluated: 2020-06-01. Review status: criteria provided, single submitter. Criteria: CeGaT Center For Human Genetics Tuebingen Variant Classification Criteria Version 2. Collection method: clinical testing. Allele origin: germline. Affected: yes. Observed: 4 variant alleles.